The following is an entry in ClinVar:

ClinVar aggregate classification (germline): Uncertain significance (1 of 4 stars; one submission).

Submission:

Ambry Genetics
Classification: Uncertain significance. Last evaluated: 2021-12-10. Review status: criteria provided, single submitter. Criteria: Ambry Variant Classification Scheme 2023. Collection method: clinical testing. Allele origin: germline.
Comment: The p.V131F variant (also known as c.391G>T), located in coding exon 5 of the FAM175A gene, results from a G to T substitution at nucleotide position 391. The valine at codon 131 is replaced by phenylalanine, an amino acid with highly similar properties. This amino acid position is conserved. In addition, the in silico prediction for this alteration is inconclusive. Since supporting evidence is limited at this time, the clinical significance of this alteration remains unclear.

NM_139076.3(ABRAXAS1):c.391G>T (p.Val131Phe)

Gene: ABRAXAS1 (abraxas 1, BRCA1 A complex subunit; minus strand). Cytogenetic location: 4q21.23.
Variant type: single nucleotide variant.
Coding change: c.391G>T on transcript NM_139076.3 (MANE Select); coding-DNA position 391, G replaced by T.
Protein change: p.Val131Phe; replaces valine 131 with phenylalanine.
Molecular consequence: missense variant.
Genome position (GRCh38, 1-based): chr4:83,470,288, C>A on the plus strand (G>T on the coding strand, the complement: ABRAXAS1 is on the minus strand). VCF-style: chr4-83470288-C-A. GRCh37 (hg19) VCF-style: chr4-84391441-C-A.
Other names: c.64G>T, p.Val22Phe (NM_001345962.2); short protein forms V131F, V22F.
Identifiers: ClinVar variation 1799820 (VCV001799820.2), dbSNP rs1560574598, ClinGen allele CA357259841.